The following is an entry in ClinVar:

ClinVar aggregate classification (germline): Uncertain significance (1 of 4 stars; one submission).

Submission:

Labcorp Genetics (formerly Invitae), Labcorp
Classification: Uncertain significance. Last evaluated: 2021-06-16. Review status: criteria provided, single submitter. Criteria: Invitae Variant Classification Sherloc (09022015). Collection method: clinical testing. Allele origin: germline.
Comment: In summary, the available evidence is currently insufficient to determine the role of this variant in disease. Therefore, it has been classified as a Variant of Uncertain Significance. Algorithms developed to predict the effect of missense changes on protein structure and function are either unavailable or do not agree on the potential impact of this missense change (SIFT: "Deleterious"; PolyPhen-2: "Benign"; Align-GVGD: "Class C0"). This variant has not been reported in the literature in individuals with DHX38-related conditions. This variant is not present in population databases (ExAC no frequency). This sequence change replaces arginine with leucine at codon 59 of the DHX38 protein (p.Arg59Leu). The arginine residue is highly conserved and there is a moderate physicochemical difference between arginine and leucine.

NM_014003.4(DHX38):c.176G>T (p.Arg59Leu)

Gene: DHX38 (DEAH-box helicase 38; plus strand). Cytogenetic location: 16q22.2.
Variant type: single nucleotide variant.
Coding change: c.176G>T on transcript NM_014003.4 (MANE Select); coding-DNA position 176, G replaced by T.
Protein change: p.Arg59Leu; replaces arginine 59 with leucine.
Molecular consequence: missense variant.
Genome position (GRCh38, 1-based): chr16:72,096,333, G>T. VCF-style: chr16-72096333-G-T. GRCh37 (hg19) VCF-style: chr16-72130232-G-T.
Other names: short protein forms R59L.
Identifiers: ClinVar variation 1361640 (VCV001361640.8), dbSNP rs150592983, ClinGen allele CA396699742.
Genomic context (GRCh38, chr16:72,096,333, plus strand): 5'-TCAAGGCTCCTGCTCCCCGCCCTTCATTACTCGGACTGGACTTGCTGGCTTCCCTGAAAC[G>T]GAGAGAGCGAGAGGAGAAGGACGATGGGGAGGACAAGAAGAAGTCCAAAGTCTCCTCCTA-3'
Protein context (NP_054722.2, residues 49-69): LGLDLLASLK[Arg59Leu]REREEKDDGE